The following is an entry in ClinVar:

ClinVar aggregate classification (germline): Uncertain significance (1 of 4 stars; one submission).

Conditions:
Salla disease (SD). Also called: Less Severe FSASD (Salla Disease); Sialuria, Finnish type; N-acetylneuraminic acid (NANA) storage disease (NSD); Infantile sialic acid storage disorder (ISSD). Identifiers: Orphanet 309334, Orphanet 834, MedGen C1096903, MONDO:0011449, OMIM 604369.

Allele frequency attached by ClinVar (database versions not stated): ExAC 0.00001; TOPMed 0.00001.

Submission:

Labcorp Genetics (formerly Invitae), Labcorp
Classification: Uncertain significance for Salla disease. Last evaluated: 2022-08-19. Review status: criteria provided, single submitter. Criteria: Invitae Variant Classification Sherloc (09022015). Collection method: clinical testing. Allele origin: germline.
Comment: This sequence change replaces isoleucine, which is neutral and non-polar, with leucine, which is neutral and non-polar, at codon 294 of the SLC17A5 protein (p.Ile294Leu). This variant is present in population databases (rs757441840, gnomAD 0.0009%). This variant has not been reported in the literature in individuals affected with SLC17A5-related conditions. Algorithms developed to predict the effect of missense changes on protein structure and function are either unavailable or do not agree on the potential impact of this missense change (SIFT: "Deleterious"; PolyPhen-2: "Possibly Damaging"; Align-GVGD: "Class C0"). In summary, the available evidence is currently insufficient to determine the role of this variant in disease. Therefore, it has been classified as a Variant of Uncertain Significance.

NM_012434.5(SLC17A5):c.880A>C (p.Ile294Leu)

Gene: SLC17A5 (solute carrier family 17 member 5; minus strand). Cytogenetic location: 6q13.
Variant type: single nucleotide variant.
Coding change: c.880A>C on transcript NM_012434.5 (MANE Select); coding-DNA position 880, A replaced by C.
Protein change: p.Ile294Leu; replaces isoleucine 294 with leucine.
Molecular consequence: missense variant. On other transcripts: intron variant (1).
Genome position (GRCh38, 1-based): chr6:73,621,902, T>G on the plus strand (A>C on the coding strand, the complement: SLC17A5 is on the minus strand). VCF-style: chr6-73621902-T-G. GRCh37 (hg19) VCF-style: chr6-74331625-T-G.
Other names: c.649A>C, p.Ile217Leu (NM_001382629.1); c.880A>C, p.Ile294Leu (NM_001382630.1, NM_001382633.1); c.901A>C, p.Ile301Leu (NM_001382631.1); c.793A>C, p.Ile265Leu (NM_001382632.1); c.877A>C, p.Ile293Leu (NM_001382635.1); c.562A>C, p.Ile188Leu (NM_001382636.1); c.820-6455A>C (NM_001382634.1); short protein forms I294L, I188L, I217L, I265L, I293L, I301L.
Identifiers: ClinVar variation 2161833 (VCV002161833.1), dbSNP rs757441840, ClinGen allele CA3890401.